The following is an entry in ClinVar:

ClinVar aggregate classification (germline): Likely benign (1 of 4 stars; one submission).

Allele frequency attached by ClinVar (database versions not stated): TOPMed 0.00001; gnomAD 0.00001 and 0.00003.

Submission:

GeneDx
Classification: Likely benign. Last evaluated: 2016-10-03. Review status: criteria provided, single submitter. Criteria: GeneDx Variant Classification (06012015). Collection method: clinical testing. Allele origin: germline. Affected: yes.
Comment: This variant is considered likely benign or benign based on one or more of the following criteria: it is a conservative change, it occurs at a poorly conserved position in the protein, it is predicted to be benign by multiple in silico algorithms, and/or has population frequency not consistent with disease.

NM_021098.3(CACNA1H):c.6159C>T (p.Gly2053=)

Gene: CACNA1H (calcium voltage-gated channel subunit alpha1 H; plus strand). Cytogenetic location: 16p13.3.
Variant type: single nucleotide variant.
Coding change: c.6159C>T on transcript NM_021098.3 (MANE Select); coding-DNA position 6159, C replaced by T.
Protein change: p.Gly2053=; no amino-acid change (glycine 2053 retained).
Molecular consequence: synonymous variant.
Genome position (GRCh38, 1-based): chr16:1,220,091, C>T. VCF-style: chr16-1220091-C-T. GRCh37 (hg19) VCF-style: chr16-1270091-C-T.
Other names: c.6141C>T, p.Gly2047= (NM_001005407.2).
Identifiers: ClinVar variation 389513 (VCV000389513.1), dbSNP rs755452106, ClinGen allele CA16607232.